The following is an entry in ClinVar:

ClinVar aggregate classification (germline): Uncertain significance. Review status: criteria provided, multiple submitters, no conflicts (2 of 4 stars). 3 submissions from 3 submitters: Uncertain significance (3). Last evaluated 2025-10-27.

Allele frequency attached by ClinVar (database versions not stated): ExAC 0.00003; gnomAD 0.00007; TOPMed 0.00011; 1000 Genomes Project 30x 0.00047; 1000 Genomes Project 0.00060.
gnomAD v4.1: 31 of 1,611,674 alleles (0.0019%); highest among the groups gnomAD compares: Admixed American, 0.019%; no homozygotes.

Submissions (3):

Labcorp Genetics (formerly Invitae), Labcorp
Classification: Uncertain significance. Last evaluated: 2025-10-27. Review status: criteria provided, single submitter. Criteria: Invitae Variant Classification Sherloc (09022015). Collection method: clinical testing. Allele origin: germline.
Comment: This sequence change replaces tyrosine, which is neutral and polar, with cysteine, which is neutral and slightly polar, at codon 68 of the KIF23 protein (p.Tyr68Cys). This variant is present in population databases (rs187707408, gnomAD 0.01%). This variant has not been reported in the literature in individuals affected with KIF23-related conditions. ClinVar contains an entry for this variant (Variation ID: 2162453). Invitae Evidence Modeling of protein sequence and biophysical properties (such as structural, functional, and spatial information, amino acid conservation, physicochemical variation, residue mobility, and thermodynamic stability) indicates that this missense variant is not expected to disrupt KIF23 protein function with a negative predictive value of 80%. In summary, the available evidence is currently insufficient to determine the role of this variant in disease. Therefore, it has been classified as a Variant of Uncertain Significance.

Ambry Genetics
Classification: Uncertain significance. Last evaluated: 2025-08-22. Review status: criteria provided, single submitter. Criteria: Ambry Variant Classification Scheme 2023. Collection method: clinical testing. Allele origin: germline.

Revvity Omics, Revvity
Classification: Uncertain significance. Last evaluated: 2023-09-23. Review status: criteria provided, single submitter. Criteria: ACMG Guidelines, 2015. Collection method: clinical testing. Allele origin: germline.

NM_001367805.3(KIF23):c.203A>G (p.Tyr68Cys)

Gene: KIF23 (kinesin family member 23; plus strand). Cytogenetic location: 15q23.
Variant type: single nucleotide variant.
Coding change: c.203A>G on transcript NM_001367805.3 (MANE Select); coding-DNA position 203, A replaced by G.
Protein change: p.Tyr68Cys; replaces tyrosine 68 with cysteine.
Molecular consequence: missense variant. On other transcripts: non-coding transcript variant (2).
Genome position (GRCh38, 1-based): chr15:69,417,504, A>G. VCF-style: chr15-69417504-A-G. GRCh37 (hg19) VCF-style: chr15-69709843-A-G.
Other names: c.10A>G, p.Ile4Val (NM_001281301.2); c.203A>G, p.Tyr68Cys (NM_001367804.2, NM_004856.7, NM_138555.4); c.203A>G (NM_138555.2); short protein forms I4V, Y68C.
Identifiers: ClinVar variation 2162453 (VCV002162453.6), dbSNP rs187707408, ClinGen allele CA7634829.